The following is an entry in ClinVar:

ClinVar aggregate classification (germline): Uncertain significance (1 of 4 stars; one submission).

Conditions:
Familial renal glucosuria (GLYS). Also called: RENAL GLUCOSURIA, AUTOSOMAL DOMINANT; Familial renal glycosuria. Identifiers: Orphanet 69076, MedGen C3245525, MONDO:0009297, OMIM 233100.

gnomAD v4.1: 19 of 1,613,126 alleles (0.0012%); highest among the groups gnomAD compares: East Asian, 0.016%; no homozygotes.

Submission:

3billion
Classification: Uncertain significance for Familial renal glucosuria. Last evaluated: 2025-02-15. Review status: criteria provided, single submitter. Criteria: ACMG Guidelines, 2015. Collection method: clinical testing. Allele origin: germline. Affected: yes.
Comment: The variant is observed at an extremely low frequency in the gnomAD v4.1.0 dataset (total allele frequency: 0.001%). Predicted Consequence/Location: Synonymous variant In silico tools do not predict the variant to alter splicing and produce an abnormal transcript [SpliceAI: 0.03 (<=0.1, moderate evidence for non-spliceogenicity)]. However, functional analysis for splicing alteration may yield varying results. Therefore, this variant is classified as VUS according to the recommendation of ACMG/AMP guideline.

NM_003041.4(SLC5A2):c.114C>T (p.Gly38=)

Gene: SLC5A2 (solute carrier family 5 member 2; plus strand). Cytogenetic location: 16p11.2.
Variant type: single nucleotide variant.
Coding change: c.114C>T on transcript NM_003041.4 (MANE Select); coding-DNA position 114, C replaced by T.
Protein change: p.Gly38=; no amino-acid change (glycine 38 retained).
Molecular consequence: synonymous variant. On other transcripts: non-coding transcript variant (1).
Genome position (GRCh38, 1-based): chr16:31,483,250, C>T. VCF-style: chr16-31483250-C-T. GRCh37 (hg19) VCF-style: chr16-31494571-C-T.
Identifiers: ClinVar variation 4293953 (VCV004293953.1).